The following is an entry in ClinVar:

NM_004360.5(CDH1):c.1009-8C>T

Gene: CDH1 (cadherin 1; plus strand). Cytogenetic location: 16q22.1.
Variant type: single nucleotide variant.
Coding change: c.1009-8C>T on transcript NM_004360.5 (MANE Select); 8 bases into the intron before coding-DNA position 1009, C replaced by T.
Molecular consequence: intron variant.
Genome position (GRCh38, 1-based): chr16:68,812,127, C>T. VCF-style: chr16-68812127-C-T. GRCh37 (hg19) VCF-style: chr16-68846030-C-T.
Other names: c.1009-8C>T (LRG_301t1, NM_001317184.2); c.-607-8C>T (NM_001317185.2); c.-811-8C>T (NM_001317186.2).
Identifiers: ClinVar variation 377639 (VCV000377639.17), dbSNP rs201227194, ClinGen allele CA8129984.

ClinVar aggregate classification (germline): Likely benign. Review status: criteria provided, multiple submitters, no conflicts (2 of 4 stars). 4 submissions from 4 submitters: Likely benign (4). Last evaluated 2025-06-29.

Conditions:
Hereditary cancer-predisposing syndrome. Also called: Hereditary neoplastic syndrome; Tumor predisposition; Neoplastic Syndromes, Hereditary; Hereditary Cancer Syndrome. Identifiers: Orphanet 140162, MedGen C0027672, MeSH D009386, MONDO:0015356.
Hereditary diffuse gastric adenocarcinoma (HDGC). Also called: DIFFUSE GASTRIC AND LOBULAR BREAST CANCER SYNDROME. Identifiers: Orphanet 26106, MedGen C1708349, MONDO:0007648, OMIM 137215.

Allele frequency attached by ClinVar (database versions not stated): gnomAD exomes below 0.00001; ExAC 0.00001; gnomAD 0.00001; TOPMed 0.00001.
gnomAD v4.1: 4 of 1,613,990 alleles (0.00025%); highest among the groups gnomAD compares: Non-Finnish European, 0.00034%; no homozygotes.

Submissions (4):

Labcorp Genetics (formerly Invitae), Labcorp
Classification: Likely benign for Hereditary diffuse gastric adenocarcinoma. Last evaluated: 2025-06-29. Review status: criteria provided, single submitter. Criteria: Invitae Variant Classification Sherloc (09022015). Collection method: clinical testing. Allele origin: germline.

Myriad Genetics, Inc.
Classification: Likely benign for Hereditary diffuse gastric adenocarcinoma. Last evaluated: 2024-09-17. Review status: criteria provided, single submitter. Criteria: Myriad Autosomal Dominant, Autosomal Recessive and X-Linked Classification Criteria (2023). Collection method: clinical testing. Allele origin: unknown.
Comment: This variant is considered likely benign. This variant is intronic and is not expected to impact mRNA splicing.

GeneDx
Classification: Likely benign. Last evaluated: 2018-09-20. Review status: criteria provided, single submitter. Criteria: GeneDx Variant Classification Process June 2021. Collection method: clinical testing. Allele origin: germline. Affected: yes.

Color Diagnostics, LLC DBA Color Health
Classification: Likely benign for Hereditary cancer-predisposing syndrome. Last evaluated: 2017-09-20. Review status: criteria provided, single submitter. Criteria: ACMG Guidelines, 2015. Collection method: clinical testing. Allele origin: germline.